The following is an entry in ClinVar:

NC_000023.10:g.(?_31241144)_(31676281_?)dup

Gene: DMD (dystrophin; minus strand). Cytogenetic location: Xp21.2-21.1.
Variant type: Duplication.
Identifiers: ClinVar variation 2424983 (VCV002424983.5).

ClinVar aggregate classification (germline): Likely pathogenic (1 of 4 stars; one submission).

Conditions:
Duchenne muscular dystrophy (DMD). Also called: Duchenne Muscular Dystrophy (DMD); MUSCULAR DYSTROPHY, PSEUDOHYPERTROPHIC PROGRESSIVE, DUCHENNE TYPE. Identifiers: Orphanet 98896, MedGen C0013264, MONDO:0010679, OMIM 310200.

Submission:

Labcorp Genetics (formerly Invitae), Labcorp
Classification: Likely pathogenic for Duchenne muscular dystrophy. Last evaluated: 2022-05-27. Review status: criteria provided, single submitter. Criteria: Invitae Variant Classification Sherloc (09022015). Collection method: clinical testing. Allele origin: germline.
Comment: This variant has not been reported in the literature in individuals affected with DMD-related conditions. This variant results in a copy number gain of the genomic region encompassing exon(s) 54-64 of the DMD gene. While the exact position of this variant cannot be determined from the data, sub-genic copy number gains are generally in tandem (PMID: 25640679). This variant is predicted to be out-of-frame, and may result in an absent or disrupted protein product. Loss-of-function variants in DMD are known to be pathogenic (PMID: 16770791, 25007885). In summary, the currently available evidence indicates that the variant is pathogenic, but additional data are needed to prove that conclusively. Therefore, this variant has been classified as Likely Pathogenic.

Literature cited by the submitters: PubMed 25640679; PubMed 16770791; PubMed 25007885.